The following is an entry in ClinVar:

ClinVar aggregate classification (germline): Uncertain significance (1 of 4 stars; one submission).

Conditions:
Hereditary cancer-predisposing syndrome. Also called: Neoplastic Syndromes, Hereditary; Tumor predisposition; Hereditary Cancer Syndrome; Hereditary neoplastic syndrome. Identifiers: Orphanet 140162, MedGen C0027672, MeSH D009386, MONDO:0015356.

Submission:

Ambry Genetics
Classification: Uncertain significance for Hereditary cancer-predisposing syndrome. Last evaluated: 2025-12-22. Review status: criteria provided, single submitter. Criteria: Ambry Variant Classification Scheme 2023. Collection method: clinical testing. Allele origin: germline.
Comment: The c.868+4G>C intronic variant results from a G to C substitution 4 nucleotides after coding exon 7 in the BMPR1A gene. This nucleotide position is not well conserved in available vertebrate species. In silico splice site analysis predicts that this alteration will not have any significant effect on splicing. Based on the available evidence, the clinical significance of this variant remains unclear.

NM_004329.3(BMPR1A):c.868+4G>C

Gene: BMPR1A (bone morphogenetic protein receptor type 1A; plus strand). Cytogenetic location: 10q23.2.
Variant type: single nucleotide variant.
Coding change: c.868+4G>C on transcript NM_004329.3 (MANE Select); 4 bases into the intron after coding-DNA position 868, G replaced by C.
Molecular consequence: intron variant.
Genome position (GRCh38, 1-based): chr10:86,917,330, G>C. VCF-style: chr10-86917330-G-C. GRCh37 (hg19) VCF-style: chr10-88677087-G-C.
Other names: c.868+4G>C (NM_001406562.1, NM_001406568.1, NM_001406567.1 and 19 more transcripts); c.784+4G>C (NM_001406584.1, NM_001406588.1, NM_001406587.1 and 2 more transcripts); c.916+4G>C (NM_001406560.1); c.943+4G>C (NM_001406559.1); c.862+4G>C (NM_001406583.1); c.526+4G>C (NM_001406589.1).
Identifiers: ClinVar variation 4842480 (VCV004842480.1).